The following is an entry in ClinVar:

NM_001080517.3(SETD5):c.1435C>T (p.His479Tyr)

Gene: SETD5 (SET domain containing 5; plus strand). Cytogenetic location: 3p25.3.
Variant type: single nucleotide variant.
Coding change: c.1435C>T on transcript NM_001080517.3 (MANE Select); coding-DNA position 1435, C replaced by T.
Protein change: p.His479Tyr; replaces histidine 479 with tyrosine.
Molecular consequence: missense variant.
Genome position (GRCh38, 1-based): chr3:9,445,295, C>T. VCF-style: chr3-9445295-C-T. GRCh37 (hg19) VCF-style: chr3-9486979-C-T.
Other names: c.1141C>T, p.His381Tyr (NM_001292043.2, NM_001349451.2); short protein forms H381Y, H479Y.
Identifiers: ClinVar variation 2442693 (VCV002442693.1), dbSNP rs1315341489, ClinGen allele CA351693826.

ClinVar aggregate classification (germline): Uncertain significance (1 of 4 stars; one submission).

Allele frequency attached by ClinVar (database versions not stated): TOPMed 0.00001.
gnomAD v4.1: 2 of 1,603,058 alleles (0.00012%); highest among the groups gnomAD compares: Non-Finnish European, 0.00017%; no homozygotes.

Submission:

GeneDx
Classification: Uncertain significance. Last evaluated: 2022-09-01. Review status: criteria provided, single submitter. Criteria: GeneDx Variant Classification Process June 2021. Collection method: clinical testing. Allele origin: germline. Affected: yes.
Comment: Not observed at significant frequency in large population cohorts (gnomAD); In silico analysis supports that this missense variant does not alter protein structure/function; Has not been previously published as pathogenic or benign to our knowledge